The following is an entry in ClinVar:

ClinVar aggregate classification (germline): Conflicting classifications of pathogenicity. Review status: criteria provided, conflicting classifications (1 of 4 stars). 2 submissions from 2 submitters: Uncertain significance (1); Likely benign (1). Last evaluated 2026-07-01.

gnomAD v4.1: 297 of 1,611,944 alleles (0.018%); highest among the groups gnomAD compares: Non-Finnish European, 0.024%; 2 homozygotes.

Submissions (2):

CeGaT Center for Human Genetics Tuebingen
Classification: Likely benign. Last evaluated: 2026-07-01. Review status: criteria provided, single submitter. Criteria: CeGaT Center For Human Genetics Tuebingen Variant Classification Criteria Version 2. Collection method: clinical testing. Allele origin: germline. Affected: yes. Observed: 1 variant allele.
Comment: CLCA4: BP4

Ambry Genetics
Classification: Uncertain significance. Last evaluated: 2024-07-02. Review status: criteria provided, single submitter. Criteria: Ambry Variant Classification Scheme 2023. Collection method: clinical testing. Allele origin: germline.

NM_012128.4(CLCA4):c.1340T>G (p.Ile447Arg)

Genes: CLCA4 (chloride channel accessory 4; plus strand), CLCA4-AS1 (CLCA4 antisense RNA 1; minus strand). Cytogenetic location: 1p22.3.
Variant type: single nucleotide variant.
Coding change: c.1340T>G on transcript NM_012128.4 (MANE Select); coding-DNA position 1340, T replaced by G.
Protein change: p.Ile447Arg; replaces isoleucine 447 with arginine.
Molecular consequence: missense variant. On other transcripts: non-coding transcript variant (2).
Genome position (GRCh38, 1-based): chr1:86,571,234, T>G. VCF-style: chr1-86571234-T-G. GRCh37 (hg19) VCF-style: chr1-87036917-T-G.
Other names: short protein forms I447R.
Identifiers: ClinVar variation 3493278 (VCV003493278.2).
Genomic context (GRCh38, chr1:86,571,234, plus strand): 5'-AACAAAGTGGGGCCATTGTTCATTTTATTGCTTTGGGAAGAGCTGCTGATGAAGCAGTAA[T>G]AGAGATGAGCAAGATAACAGGTAAAACACGATCCATTTATTCCAGGCCTTCAATAGTAAT-3'
Protein context (NP_036260.2, residues 437-457): ALGRAADEAV[Ile447Arg]EMSKITGGSH